The following is an entry in ClinVar:

ClinVar aggregate classification (germline): Uncertain significance (1 of 4 stars; one submission).

Conditions:
Cardiovascular phenotype. Identifiers: MedGen CN230736.

Submission:

Ambry Genetics
Classification: Uncertain significance for Cardiovascular phenotype. Last evaluated: 2025-11-25. Review status: criteria provided, single submitter. Criteria: Ambry Variant Classification Scheme 2023. Collection method: clinical testing. Allele origin: germline.
Comment: The p.E1976K variant (also known as c.5926G>A), located in coding exon 2 of the ZNF469 gene, results from a G to A substitution at nucleotide position 5926. The glutamic acid at codon 1976 is replaced by lysine, an amino acid with similar properties. This amino acid position is conserved. In addition, this alteration is predicted to be tolerated by in silico analysis. Based on the available evidence, the clinical significance of this variant remains unclear.

NM_001127464.1:c.5926G>A

Gene: ZNF469 (zinc finger protein 469; plus strand).
Variant type: single nucleotide variant.
Identifiers: ClinVar variation 4615526 (VCV004615526.1).